The following is an entry in ClinVar:

NM_000038.6(APC):c.5485A>T (p.Asn1829Tyr)

Gene: APC (APC regulator of Wnt signaling pathway; plus strand). Cytogenetic location: 5q22.2.
Variant type: single nucleotide variant.
Coding change: c.5485A>T on transcript NM_000038.6 (MANE Select); coding-DNA position 5485, A replaced by T.
Protein change: p.Asn1829Tyr; replaces asparagine 1829 with tyrosine.
Molecular consequence: missense variant.
Genome position (GRCh38, 1-based): chr5:112,841,079, A>T. VCF-style: chr5-112841079-A-T. GRCh37 (hg19) VCF-style: chr5-112176776-A-T.
Other names: c.5485A>T, p.Asn1829Tyr (NM_001127510.3, NM_001354895.2); c.5431A>T, p.Asn1811Tyr (NM_001127511.3); c.5539A>T, p.Asn1847Tyr (NM_001354896.2); c.5515A>T, p.Asn1839Tyr (NM_001354897.2); c.5410A>T, p.Asn1804Tyr (NM_001354898.2); c.5401A>T, p.Asn1801Tyr (NM_001354899.2); c.5362A>T, p.Asn1788Tyr (NM_001354900.2); c.5308A>T, p.Asn1770Tyr (NM_001354901.2); and 5 more; short protein forms N1811Y, N1829Y, N1703Y, N1738Y, N1801Y, N1804Y, N1770Y, N1546Y.
Identifiers: ClinVar variation 187460 (VCV000187460.9), dbSNP rs761812531, ClinGen allele CA010437.

ClinVar aggregate classification (germline): Uncertain significance. Review status: criteria provided, multiple submitters, no conflicts (2 of 4 stars). 3 submissions from 3 submitters: Uncertain significance (3). Last evaluated 2024-08-23.

Conditions:
Hereditary cancer-predisposing syndrome. Also called: Neoplastic Syndromes, Hereditary; Tumor predisposition; Hereditary Cancer Syndrome; Hereditary neoplastic syndrome. Identifiers: Orphanet 140162, MedGen C0027672, MeSH D009386, MONDO:0015356.
Familial adenomatous polyposis 1 (FAP1). Also called: FAMILIAL ADENOMATOUS POLYPOSIS 1, ATTENUATED; POLYPOSIS, ADENOMATOUS INTESTINAL. Identifiers: MedGen C2713442, MONDO:0021056, OMIM 175100. Disease mechanism: loss of function.

Allele frequency attached by ClinVar (database versions not stated): TOPMed 0.00001.

Submissions (3):

Ambry Genetics
Classification: Uncertain significance for Hereditary cancer-predisposing syndrome. Last evaluated: 2024-08-23. Review status: criteria provided, single submitter. Criteria: Ambry Variant Classification Scheme 2023. Collection method: clinical testing. Allele origin: germline.
Comment: The p.N1829Y variant (also known as c.5485A>T), located in coding exon 15 of the APC gene, results from an A to T substitution at nucleotide position 5485. The asparagine at codon 1829 is replaced by tyrosine, an amino acid with dissimilar properties. This amino acid position is well conserved in available vertebrate species. In addition, in silico predictors for this gene do not accurately predict pathogenicity. Missense alterations in APC are not a common cause of disease (Spier I et al. Genet Med. 2024 Feb;26(2):100992). Based on the available evidence, the clinical significance of this variant remains unclear.

Labcorp Genetics (formerly Invitae), Labcorp
Classification: Uncertain significance for Familial adenomatous polyposis 1. Last evaluated: 2022-02-07. Review status: criteria provided, single submitter. Criteria: Invitae Variant Classification Sherloc (09022015). Collection method: clinical testing. Allele origin: germline.
Comment: This sequence change replaces asparagine, which is neutral and polar, with tyrosine, which is neutral and polar, at codon 1829 of the APC protein (p.Asn1829Tyr). This variant is not present in population databases (gnomAD no frequency). This variant has not been reported in the literature in individuals affected with APC-related conditions. ClinVar contains an entry for this variant (Variation ID: 187460). Algorithms developed to predict the effect of missense changes on protein structure and function are either unavailable or do not agree on the potential impact of this missense change (SIFT: "Tolerated"; PolyPhen-2: "Possibly Damaging"; Align-GVGD: "Class C0"). In summary, the available evidence is currently insufficient to determine the role of this variant in disease. Therefore, it has been classified as a Variant of Uncertain Significance.

GeneDx
Classification: Uncertain significance. Last evaluated: 2015-07-17. Review status: criteria provided, single submitter. Criteria: GeneDx Variant Classification (06012015). Collection method: clinical testing. Allele origin: germline. Affected: yes.
Comment: This variant is denoted APC c.5485A>T at the cDNA level, p.Asn1829Tyr (N1829Y) at the protein level, and results in the change of an Asparagine to a Tyrosine (AAT>TAT). This variant has not, to our knowledge, been published in the literature as pathogenic or benign. APC Asn1829Tyr was not observed in approximately 6,500 individuals of European and African American ancestry in the NHLBI Exome Sequencing Project, indicating it is not a common benign variant in these populations. Since Asparagine and Tyrosine differ in some properties, this is considered a semi-conservative amino acid substitution. APC Asn1829Tyr occurs at a position where amino acids with properties similar to Asparagine are tolerated across species and is located in the 20-aa repeat B-catenin down-regulating domain as well as the SAMP repeat/axin binding domain (Azzopardi 2008). In silico analyses are inconsistent regarding the effect this variant may have on protein structure and function. Based on currently available information, it is unclear whether APC Asn1829Tyr is pathogenic or benign. We consider it to be a variant of uncertain significance.